The following is an entry in ClinVar:

ClinVar aggregate classification (germline): Pathogenic/Likely pathogenic. Review status: criteria provided, multiple submitters, no conflicts (2 of 4 stars). 3 submissions from 3 submitters: Pathogenic (2); Likely pathogenic (1). Last evaluated 2025-06-03.

Conditions:
EVC-related disorder. Also called: EVC-related disorders; EVC-related condition.
Ellis-van Creveld syndrome (EVC). Also called: MESOECTODERMAL DYSPLASIA; Chondroectodermal dysplasia. Identifiers: Orphanet 289, MedGen C0013903, MONDO:0009162, OMIM 225500.
Curry-Hall syndrome (WAD). Also called: WEYERS ACRODENTAL DYSOSTOSIS. Identifiers: Orphanet 952, MedGen C0457013, MONDO:0008673, OMIM 193530.

Submissions (3):

Labcorp Genetics (formerly Invitae), Labcorp
Classification: Pathogenic for Curry-Hall syndrome; Ellis-van Creveld syndrome. Last evaluated: 2025-06-03. Review status: criteria provided, single submitter. Criteria: Invitae Variant Classification Sherloc (09022015). Collection method: clinical testing. Allele origin: germline.
Comment: This sequence change creates a premature translational stop signal (p.Gln424Argfs*73) in the EVC gene. It is expected to result in an absent or disrupted protein product. Loss-of-function variants in EVC are known to be pathogenic (PMID: 23220543). This variant is not present in population databases (gnomAD no frequency). This premature translational stop signal has been observed in individual(s) with Ellis-van Creveld syndrome (PMID: 19810119). ClinVar contains an entry for this variant (Variation ID: 2924063). For these reasons, this variant has been classified as Pathogenic.

PreventionGenetics, part of Exact Sciences
Classification: Pathogenic for EVC-related condition. Last evaluated: 2025-02-11. Review status: criteria provided, single submitter. Criteria: ACMG Guidelines, 2015. Collection method: clinical testing. Allele origin: germline.
Comment: The EVC c.1269_1278del10 variant is predicted to result in a frameshift and premature protein termination (p.Gln424Argfs*73). This variant was reported in the homozygous state in an individual with Ellis-van Creveld syndrome (Valencia et al 2009. PubMed ID: 19810119). This variant has not been reported in a large population database, indicating this variant is rare. Frameshift variants in EVC are expected to be pathogenic. This variant is interpreted as pathogenic.

Blueprint Genetics
Classification: Likely pathogenic for EVC-related disorders. Last evaluated: 2021-03-16. Review status: criteria provided, single submitter. Criteria: ACMG Guidelines, 2015. Collection method: clinical testing. Allele origin: germline. Affected: yes. Observed: 1 variant allele.

Literature cited by the submitters: PubMed 23220543 (cited by Labcorp Genetics (formerly Invitae), Labcorp); PubMed 19810119 (cited by Labcorp Genetics (formerly Invitae), Labcorp).

NM_153717.3(EVC):c.1269_1278del (p.Gln424fs)

Gene: EVC (EvC ciliary complex subunit 1; plus strand). Cytogenetic location: 4p16.2.
Variant type: Deletion.
Coding change: c.1269_1278del on transcript NM_153717.3 (MANE Select); coding-DNA positions 1269 to 1278, 10 bases deleted (GCAGCAGCAC; older notation c.1269_1278delGCAGCAGCAC).
Protein change: p.Gln424fs; shifts the reading frame from glutamine 424.
Molecular consequence: frameshift variant.
Genome position (GRCh38, 1-based): chr4:5,753,006-5,753,015, GCAGCAGCAC deleted; deleting any 10 consecutive bases within chr4:5,753,003-5,753,015 gives the same sequence; the c. name uses the placement nearest the transcript's 3' end. VCF-style (leftmost placement, unchanged base first): chr4-5753002-TCACGCAGCAG-T. GRCh37 (hg19) VCF-style: chr4-5754729-TCACGCAGCAG-T.
Other names: c.1269_1278del10 (NM_153717.2); c.1269_1278del, p.Gln424fs (NM_001306090.2, NM_001306092.2); short protein forms Q424fs.
Identifiers: ClinVar variation 2924063 (VCV002924063.7), dbSNP rs2475385732, ClinGen allele CA2586973689.